The following is an entry in ClinVar:

NM_001991.5(EZH1):c.492G>A (p.Met164Ile)

Gene: EZH1 (enhancer of zeste 1 polycomb repressive complex 2 subunit; minus strand). Cytogenetic location: 17q21.2.
Variant type: single nucleotide variant.
Coding change: c.492G>A on transcript NM_001991.5 (MANE Select); coding-DNA position 492, G replaced by A.
Protein change: p.Met164Ile; replaces methionine 164 with isoleucine.
Molecular consequence: missense variant.
Genome position (GRCh38, 1-based): chr17:42,720,445, C>T on the plus strand (G>A on the coding strand, the complement: EZH1 is on the minus strand). VCF-style: chr17-42720445-C-T. GRCh37 (hg19) VCF-style: chr17-40872463-C-T.
Other names: c.510G>A, p.Met170Ile (NM_001321079.2); c.465G>A, p.Met155Ile (NM_001321081.2); c.372G>A, p.Met124Ile (NM_001321082.2); short protein forms M124I, M170I, M164I, M155I.
Identifiers: ClinVar variation 3091361 (VCV003091361.1), dbSNP rs763144680, ClinGen allele CA399647424.
Genomic context (GRCh38, chr17:42,720,445, plus strand): 5'-ATTCAGGGCATCGACCAACTCCAGAAAAACAGCATCACTAATCAGAACGGATCCAGGGAT[C>T]ATCTCTGAAACATGAGGATTCGAAAGATGAGCAGTGGTCACTTCACATTCCATTAGTCCT-3'
Protein context (NP_001982.2, residues 154-174): YDGKVHGEEE[Met164Ile]IPGSVLISDA

ClinVar aggregate classification (germline): Uncertain significance (1 of 4 stars; one submission).

Submission:

Ambry Genetics
Classification: Uncertain significance. Last evaluated: 2024-03-11. Review status: criteria provided, single submitter. Criteria: Ambry Variant Classification Scheme 2023. Collection method: clinical testing. Allele origin: germline.
Comment: The c.492G>A (p.M164I) alteration is located in exon 7 (coding exon 5) of the EZH1 gene. This alteration results from a G to A substitution at nucleotide position 492, causing the methionine (M) at amino acid position 164 to be replaced by an isoleucine (I). This variant was not reported in population-based cohorts in the Genome Aggregation Database (gnomAD). This amino acid position is highly conserved in available vertebrate species. This missense alteration is located in a region that has a low rate of benign missense variation (Lek, 2016; Firth, 2009). The in silico prediction for this alteration is inconclusive. Based on insufficient or conflicting evidence, the clinical significance of this alteration remains unclear.